The following is an entry in ClinVar:

ClinVar aggregate classification (germline): Likely benign (1 of 4 stars; one submission).

Submission:

Mayo Clinic Laboratories, Mayo Clinic
Classification: Likely benign. Last evaluated: 2025-08-08. Review status: criteria provided, single submitter. Criteria: ACMG Guidelines, 2015. Collection method: clinical testing. Allele origin: germline. Observed: 1 variant allele.
Comment: BP4, BP7, PM2_supporting

NM_020433.5(JPH2):c.1494G>A (p.Arg498=)

Gene: JPH2 (junctophilin 2; minus strand). Cytogenetic location: 20q13.12.
Variant type: single nucleotide variant.
Coding change: c.1494G>A on transcript NM_020433.5 (MANE Select); coding-DNA position 1494, G replaced by A.
Protein change: p.Arg498=; no amino-acid change (arginine 498 retained).
Molecular consequence: synonymous variant.
Genome position (GRCh38, 1-based): chr20:44,116,181, C>T on the plus strand (G>A on the coding strand, the complement: JPH2 is on the minus strand). VCF-style: chr20-44116181-C-T. GRCh37 (hg19) VCF-style: chr20-42744821-C-T.
Other names: p.Arg498=.
Identifiers: ClinVar variation 4684419 (VCV004684419.1).
Genomic context (GRCh38, chr20:44,116,181, plus strand): 5'-ACCGCTGGGCTCGCCGTTCCAGGCGCCTGGGCTCAGCAGGCCGTCCTTGGACACCCCGGG[C>T]CTGGGCCGCTTGGGCTGCGGGGGCGTCCCGGCCGGTGACGGGGAGCCACCCTCGGGCCGA-3'
Protein context (NP_065166.2, residues 488-508): AGTPPQPKRP[Arg498=]PGVSKDGLLS